The following is an entry in ClinVar:

ClinVar aggregate classification (germline): Pathogenic. Review status: reviewed by expert panel (3 of 4 stars). 6 submissions from 6 submitters: Pathogenic (1). 5 of the submissions do not count toward it. Last evaluated 2022-06-03.

Conditions:
Glycogen storage disease, type II (IOPD). Also called: POMPE DISEASE, INFANTILE-ONSET; GLYCOGEN STORAGE DISEASE II, INFANTILE-ONSET; ACID ALPHA-GLUCOSIDASE DEFICIENCY, INFANTILE-ONSET; GAA DEFICIENCY, INFANTILE-ONSET; ACID MALTASE DEFICIENCY, INFANTILE-ONSET; Glucosidase acid-1,4-alpha deficiency. Identifiers: Orphanet 365, MedGen C0017921, MONDO:0009290, OMIM 232300.

Allele frequency attached by ClinVar (database versions not stated): gnomAD exomes below 0.00001.

Submissions (6):

ClinGen Lysosomal Storage Disorder Variant Curation Expert Panel
Classification: Pathogenic for Glycogen storage disease, type II. Last evaluated: 2022-06-03. Review status: reviewed by expert panel. Criteria: clingen_lsd_acmg_specifications_v2-1. Collection method: curation. Allele origin: germline. Inheritance: Autosomal recessive inheritance.
Comment: The NM_000152.5: c.1579_1580del (p.Arg527GlyfsTer3) variant in GAA is a frameshift variant predicted to cause a premature stop codon in biologically-relevant-exon 11/20, leading to nonsense mediated decay in a gene in which loss-of-function is an established disease mechanism (PVS1). Two Korean patients with this variant and Pompe disease have been reported. For one of the patients, residual GAA activity was provided and was <10% normal mean in leukocytes (PMID 29869463). The second patient had reduced GAA activity (value not provided) and was on enzyme replacement therapy (PMID 30360039)(PP4_Moderate). Both patients are compound heterozygous for the variant and a missense change, either c.1316T>A (p.Met439Lys)(PMID 30360039) or c.1857C>G (p.Ser619Arg)(PMID 29869463). The in trans data from these patients will be used in the assessment of the respective missense changes and was not included her in order to avoid circular logic. Therefore, PM3 is not met at the current time. The highest population minor allele frequency in gnomAD is 0.000008804 in the European non-Finnish population which is lower than the ClinGen LSD VCEP threshold (<0.001) for PM2_Supporting, meeting this criterion (PM2_Supporting). There is a ClinVar entry for this variant (Variation ID: 1072906, 1 star review status) with one submitter classifying the variant as pathogenic. In summary, this variant meets the criteria to be classified as pathogenic for Pompe disease. ACMG/AMP criteria met, as specified by the ClinGen Lysosomal Storage Disorders variant Curation Expert Panel (ACMG/AMP specifications version 2.0): PVS1, PP4_Moderate, PM2_Supporting. Classification approved by the ClinGen LSD VCEP on May 16, 2022.

Genomenon, Inc
Classification: Pathogenic for Glycogen storage disease, type II. Last evaluated: 2026-07-01. Review status: criteria provided, single submitter. Criteria: Genomenon Sequence Variant Interpretation Standards - Updated. Collection method: curation. Allele origin: germline. Affected: yes. Not counted in ClinVar's aggregate classification.
Comment: GAA p.Arg527GlyfsTer3 (c.1579_1580del) is a frameshift variant that is predicted to introduce a premature termination codon and result in a truncated or absent protein product. This variant has been observed in at least one proband with a GAA-related disorder (PMID:34828739;21940687;30360039). It is absent or not present at a significant frequency in gnomAD. In conclusion, we classify GAA p.Arg527GlyfsTer3 (c.1579_1580del) as a pathogenic variant.

3billion
Classification: Pathogenic for Glycogen storage disease, type II. Last evaluated: 2025-02-07. Review status: criteria provided, single submitter. Criteria: ACMG Guidelines, 2015. Collection method: clinical testing. Allele origin: germline. Affected: yes. Not counted in ClinVar's aggregate classification.
Comment: The variant is observed at an extremely low frequency in the gnomAD v4.1.0 dataset (total allele frequency: <0.001%). Predicted Consequence/Location: Frameshift: predicted to result in a loss or disruption of normal protein function through nonsense-mediated decay (NMD) or protein truncation. Multiple pathogenic variants are reported downstream of the variant. The variant has been reported multiple times as an established pathogenic variant (ClinVar ID: VCV001072906 /PMID: 33560568). Therefore, this variant is classified as Pathogenic according to the recommendation of ACMG/AMP guideline.

Baylor Genetics
Classification: Likely pathogenic for Glycogen storage disease, type II. Last evaluated: 2024-02-23. Review status: criteria provided, single submitter. Criteria: ACMG Guidelines, 2015. Collection method: clinical testing. Allele origin: unknown. Not counted in ClinVar's aggregate classification.

Women's Health and Genetics/Laboratory Corporation of America, LabCorp
Classification: Pathogenic for Glycogen storage disease, type II. Last evaluated: 2022-08-04. Review status: criteria provided, single submitter. Criteria: LabCorp Variant Classification Summary - May 2015. Collection method: clinical testing. Allele origin: germline. Not counted in ClinVar's aggregate classification.
Comment: Variant summary: GAA c.1579_1580delAG (p.Arg527GlyfsX3) results in a premature termination codon, predicted to cause a truncation of the encoded protein or absence of the protein due to nonsense mediated decay, which are commonly known mechanisms for disease. Truncations downstream of this position have been classified as pathogenic by our laboratory. The variant allele was found at a frequency of 4e-06 in 251264 control chromosomes (gnomAD). c.1579_1580delAG has been reported in the literature in individuals affected with Glycogen Storage Disease, Type 2 (Pompe Disease) (e.g. Ko_2018, Kim_2019). These data indicate that the variant is likely to be associated with disease. Two ClinVar submitters including an expert panel (ClinGen Lysosomal Storage Disorder Variant Curation Expert Panel) (evaluation after 2014) cite the variant as pathogenic. Based on the evidence outlined above, the variant was classified as pathogenic.

Labcorp Genetics (formerly Invitae), Labcorp
Classification: Pathogenic for Glycogen storage disease, type II. Last evaluated: 2020-03-24. Review status: criteria provided, single submitter. Criteria: Invitae Variant Classification Sherloc (09022015). Collection method: clinical testing. Allele origin: germline. Not counted in ClinVar's aggregate classification.
Comment: This variant is not present in population databases (ExAC no frequency). For these reasons, this variant has been classified as Pathogenic. Loss-of-function variants in GAA are known to be pathogenic (PMID: 18425781, 22252923). This variant has not been reported in the literature in individuals with GAA-related conditions. This sequence change creates a premature translational stop signal (p.Arg527Glyfs*3) in the GAA gene. It is expected to result in an absent or disrupted protein product.

Literature cited by the submitters: PubMed 34828739 (cited by Genomenon, Inc); PubMed 21940687 (cited by Genomenon, Inc); PubMed 30360039 (cited by Genomenon, Inc and Women's Health and Genetics/Laboratory Corporation of America, LabCorp); PubMed 33560568 (cited by 3billion); PubMed 29869463 (cited by Women's Health and Genetics/Laboratory Corporation of America, LabCorp); PubMed 18425781 (cited by Labcorp Genetics (formerly Invitae), Labcorp); PubMed 22252923 (cited by Labcorp Genetics (formerly Invitae), Labcorp).

NM_000152.5(GAA):c.1579_1580del (p.Arg527fs)

Gene: GAA (alpha glucosidase; plus strand). Cytogenetic location: 17q25.3.
Variant type: Deletion.
Coding change: c.1579_1580del on transcript NM_000152.5 (MANE Select); coding-DNA positions 1579 to 1580, 2 bases deleted (AG; older notation c.1579_1580delAG).
Protein change: p.Arg527fs; shifts the reading frame from arginine 527.
Molecular consequence: frameshift variant.
Genome position (GRCh38, 1-based): chr17:80,110,968-80,110,969, AG deleted. VCF-style (leftmost placement, unchanged base first): chr17-80110967-CAG-C. GRCh37 (hg19) VCF-style: chr17-78084766-CAG-C.
Other names: NM_001079804.3:c.1579_1580del; c.1579_1580del, p.Arg527fs (NM_001079803.3, NM_001079804.3); short protein forms R527fs.
Identifiers: ClinVar variation 1072906 (VCV001072906.13), dbSNP rs1291214871, ClinGen allele CA627699647.